The following is an entry in ClinVar:

NM_005506.4(SCARB2):c.1430G>A (p.Arg477Gln)

Gene: SCARB2 (scavenger receptor class B member 2; minus strand). Cytogenetic location: 4q21.1.
Variant type: single nucleotide variant.
Coding change: c.1430G>A on transcript NM_005506.4 (MANE Select); coding-DNA position 1430, G replaced by A.
Protein change: p.Arg477Gln; replaces arginine 477 with glutamine.
Molecular consequence: missense variant.
Genome position (GRCh38, 1-based): chr4:76,161,720, C>T on the plus strand (G>A on the coding strand, the complement: SCARB2 is on the minus strand). VCF-style: chr4-76161720-C-T. GRCh37 (hg19) VCF-style: chr4-77082873-C-T.
Other names: c.1001G>A, p.Arg334Gln (NM_001204255.2); c.1430G>A (NM_005506.3); short protein forms R477Q, R334Q.
Identifiers: ClinVar variation 1381566 (VCV001381566.4), dbSNP rs1480481844, ClinGen allele CA357312973.

ClinVar aggregate classification (germline): Uncertain significance. Review status: criteria provided, multiple submitters, no conflicts (2 of 4 stars). 2 submissions from 2 submitters: Uncertain significance (2). Last evaluated 2025-03-27.

Conditions:
Inborn genetic diseases. Identifiers: MedGen C0950123, MeSH D030342.
Progressive myoclonic epilepsy. Also called: Familial progressive myoclonic epilepsy; Myoclonus epilepsy; Progressive myoclonus epilepsy; Myoclonic Epilepsies, Progressive. Identifiers: Orphanet 308, Orphanet 98261, MedGen C0751778, MONDO:0020074.

Allele frequency attached by ClinVar (database versions not stated): TOPMed 0.00002.
gnomAD v4.1: 12 of 1,614,096 alleles (0.00074%); highest among the groups gnomAD compares: East Asian, 0.0022%; no homozygotes.

Submissions (2):

Ambry Genetics
Classification: Uncertain significance for Inborn genetic diseases. Last evaluated: 2025-03-27. Review status: criteria provided, single submitter. Criteria: Ambry Variant Classification Scheme 2023. Collection method: clinical testing. Allele origin: germline.

Labcorp Genetics (formerly Invitae), Labcorp
Classification: Uncertain significance for Progressive myoclonic epilepsy. Last evaluated: 2021-08-27. Review status: criteria provided, single submitter. Criteria: Invitae Variant Classification Sherloc (09022015). Collection method: clinical testing. Allele origin: germline.
Comment: This sequence change replaces arginine with glutamine at codon 477 of the SCARB2 protein (p.Arg477Gln). The arginine residue is moderately conserved and there is a small physicochemical difference between arginine and glutamine. This variant is not present in population databases (ExAC no frequency). This variant has not been reported in the literature in individuals affected with SCARB2-related conditions. Algorithms developed to predict the effect of missense changes on protein structure and function are either unavailable or do not agree on the potential impact of this missense change (SIFT: "Deleterious"; PolyPhen-2: "Probably Damaging"; Align-GVGD: "Class C0"). In summary, the available evidence is currently insufficient to determine the role of this variant in disease. Therefore, it has been classified as a Variant of Uncertain Significance.